The following is an entry in ClinVar:

ClinVar aggregate classification (germline): Uncertain significance (1 of 4 stars; one submission).

Submission:

Labcorp Genetics (formerly Invitae), Labcorp
Classification: Uncertain significance. Last evaluated: 2023-08-17. Review status: criteria provided, single submitter. Criteria: Invitae Variant Classification Sherloc (09022015). Collection method: clinical testing. Allele origin: germline.
Comment: This variant results in a copy number gain of the genomic region encompassing exon(s) 1 of the B4GALT1 gene. This region includes the initiator codon of the gene. This copy number gain extends beyond the assayed region for this gene and therefore may encompass additional genes. As the precise location of this event is unknown, it may be in tandem or it may be located elsewhere in the genome. This variant has not been reported in the literature in individuals affected with B4GALT1-related conditions. In summary, the available evidence is currently insufficient to determine the role of this variant in disease. Therefore, it has been classified as a Variant of Uncertain Significance.

NC_000009.11:g.(?_33166736)_(33167167_?)dup

Gene: B4GALT1 (beta-1,4-galactosyltransferase 1; minus strand). Cytogenetic location: 9p21.1.
Variant type: Duplication.
Identifiers: ClinVar variation 1410460 (VCV001410460.4).